The following is an entry in ClinVar:

ClinVar aggregate classification (germline): Uncertain significance. Review status: criteria provided, multiple submitters, no conflicts (2 of 4 stars). 2 submissions from 2 submitters: Uncertain significance (2). Last evaluated 2024-06-18.

Conditions:
Autosomal recessive hypophosphatemic bone disease (HHRH). Also called: Hypophosphatemic rickets with hypercalciuria; HYPERCALCIURIC RICKETS. Identifiers: Orphanet 157215, MedGen C1853271, MONDO:0009431, OMIM 241530.

Allele frequency attached by ClinVar (database versions not stated): gnomAD exomes 0.00002; ExAC 0.00014; gnomAD 0.00022; ESP Exome Variant Server 0.00023; 1000 Genomes Project 30x 0.00031; TOPMed 0.00034; 1000 Genomes Project 0.00040.
gnomAD v4.1: 72 of 1,613,064 alleles (0.0045%); highest among the groups gnomAD compares: African/African-American, 0.068%; no homozygotes.

Submissions (2):

Fulgent Genetics
Classification: Uncertain significance for Autosomal recessive hypophosphatemic bone disease. Last evaluated: 2024-06-18. Review status: criteria provided, single submitter. Criteria: ACMG Guidelines, 2015. Collection method: clinical testing. Allele origin: germline.

Labcorp Genetics (formerly Invitae), Labcorp
Classification: Uncertain significance. Last evaluated: 2022-01-04. Review status: criteria provided, single submitter. Criteria: Invitae Variant Classification Sherloc (09022015). Collection method: clinical testing. Allele origin: germline.
Comment: This sequence change replaces aspartic acid, which is acidic and polar, with glycine, which is neutral and non-polar, at codon 107 of the SLC34A3 protein (p.Asp107Gly). This variant is present in population databases (rs200389769, gnomAD 0.08%). This variant has not been reported in the literature in individuals affected with SLC34A3-related conditions. Algorithms developed to predict the effect of missense changes on protein structure and function (SIFT, PolyPhen-2, Align-GVGD) all suggest that this variant is likely to be tolerated. In summary, the available evidence is currently insufficient to determine the role of this variant in disease. Therefore, it has been classified as a Variant of Uncertain Significance.

NM_001177316.2(SLC34A3):c.320A>G (p.Asp107Gly)

Gene: SLC34A3 (solute carrier family 34 member 3; plus strand). Cytogenetic location: 9q34.3.
Variant type: single nucleotide variant.
Coding change: c.320A>G on transcript NM_001177316.2 (MANE Select); coding-DNA position 320, A replaced by G.
Protein change: p.Asp107Gly; replaces aspartic acid 107 with glycine.
Molecular consequence: missense variant.
Genome position (GRCh38, 1-based): chr9:137,232,799, A>G. VCF-style: chr9-137232799-A-G. GRCh37 (hg19) VCF-style: chr9-140127251-A-G.
Other names: c.320A>G (NM_080877.2); c.320A>G, p.Asp107Gly (NM_001177317.2, NM_080877.3); short protein forms D107G.
Identifiers: ClinVar variation 2166205 (VCV002166205.2), dbSNP rs200389769, ClinGen allele CA5364342.